The following is an entry in ClinVar:

ClinVar aggregate classification (germline): Pathogenic (1 of 4 stars; one submission).

Conditions:
Fabry disease. Also called: ALPHA-GALACTOSIDASE A DEFICIENCY; ANDERSON-FABRY DISEASE; CERAMIDE TRIHEXOSIDASE DEFICIENCY; GLA DEFICIENCY; HEREDITARY DYSTOPIC LIPIDOSIS; Angiokeratoma corporis diffusum. Identifiers: Orphanet 324, MedGen C0002986, MONDO:0010526, OMIM 301500, HP:0001071. Disease mechanism: Fabry disease is due to inactivating mutations in the X-linked GLA gene resulting in deficiency of the enzyme Alpha Galactosidase-A., loss of function.

Submission:

Genomenon, Inc
Classification: Pathogenic for Fabry disease. Last evaluated: 2026-09-08. Review status: criteria provided, single submitter. Criteria: Genomenon Sequence Variant Interpretation Standards - Updated. Collection method: curation. Allele origin: germline. Affected: yes.
Comment: GLA p.Tyr329Ter (c.987C>A) is a nonsense variant that introduces a premature stop codon at amino acid position 329 and is predicted to result in a truncated or absent protein product. This variant has been observed in at least one proband with clinical features consistent with Fabry disease (PMID:32843101). The variant was found to segregate with disease in at least one affected family (PMID:32843101). Functional or patient cell studies have been reported (PMID:32843101;33016649). It is absent or not present at a significant frequency in gnomAD. In conclusion, we classify GLA p.Tyr329Ter (c.987C>A) as a pathogenic variant.

Literature cited by the submitters: PubMed 32843101; PubMed 33016649.

NM_000169.3(GLA):c.987C>A (p.Tyr329Ter)

Genes: GLA (galactosidase alpha; minus strand), RPL36A-HNRNPH2 (RPL36A-HNRNPH2 readthrough; plus strand). Cytogenetic location: Xq22.1.
Variant type: single nucleotide variant.
Coding change: c.987C>A on transcript NM_000169.3 (MANE Select); coding-DNA position 987, C replaced by A.
Protein change: p.Tyr329Ter; replaces tyrosine 329 with a stop codon.
Molecular consequence: nonsense. On other transcripts: non-coding transcript variant (3), intron variant (2).
Genome position (GRCh38, 1-based): chrX:101,398,382, G>T on the plus strand (C>A on the coding strand, the complement: GLA is on the minus strand). VCF-style: chrX-101398382-G-T. GRCh37 (hg19) VCF-style: chrX-100653370-G-T.
Other names: c.1110C>A, p.Tyr370Ter (NM_001406747.1); c.987C>A, p.Tyr329Ter (NM_001406748.1); c.300+2925G>T (NM_001199973.2); c.177+6560G>T (NM_001199974.2); short protein forms Y329*, Y370*.
Identifiers: ClinVar variation 4087187 (VCV004087187.2).